The following is an entry in ClinVar:

NM_001134407.3(GRIN2A):c.73G>A (p.Ala25Thr)

Gene: GRIN2A (glutamate ionotropic receptor NMDA type subunit 2A; minus strand). Cytogenetic location: 16p13.2.
Variant type: single nucleotide variant.
Coding change: c.73G>A on transcript NM_001134407.3 (MANE Select); coding-DNA position 73, G replaced by A.
Protein change: p.Ala25Thr; replaces alanine 25 with threonine.
Molecular consequence: missense variant.
Genome position (GRCh38, 1-based): chr16:10,180,339, C>T on the plus strand (G>A on the coding strand, the complement: GRIN2A is on the minus strand). VCF-style: chr16-10180339-C-T. GRCh37 (hg19) VCF-style: chr16-10274196-C-T.
Other names: c.73G>A, p.Ala25Thr (NM_000833.5, NM_001134408.2); short protein forms A25T.
Identifiers: ClinVar variation 2571916 (VCV002571916.1), dbSNP rs2050240989, ClinGen allele CA394715783.
Genomic context (GRCh38, chr16:10,180,339, plus strand): 5'-CGTGGCTGTGACCCAGCATCACCGCAATATTTAGCGCGGGGGGACCCTTCTCCGCCGCCG[C>T]GCTCGGCGCCGGACCGCGCCAGACCAGAAGGGCCGGCAGCACCAGCAGGGTCCAATAGCC-3'
Protein context (NP_001127879.1, residues 15-35): LLVWRGPAPS[Ala25Thr]AAEKGPPALN

ClinVar aggregate classification (germline): Uncertain significance (1 of 4 stars; one submission).

Allele frequency attached by ClinVar (database versions not stated): gnomAD exomes below 0.00001; gnomAD 0.00001.
gnomAD v4.1: 3 of 1,608,598 alleles (0.00019%); highest among the groups gnomAD compares: Non-Finnish European, 0.00025%; no homozygotes.

Submission:

GeneDx
Classification: Uncertain significance. Last evaluated: 2023-01-07. Review status: criteria provided, single submitter. Criteria: GeneDx Variant Classification Process June 2021. Collection method: clinical testing. Allele origin: germline. Affected: yes.
Comment: Not observed at significant frequency in large population cohorts (gnomAD); In silico analysis supports that this missense variant does not alter protein structure/function; Has not been previously published as pathogenic or benign to our knowledge